The following is an entry in ClinVar:

ClinVar aggregate classification (germline): Uncertain significance (1 of 4 stars; one submission).

Submission:

Labcorp Genetics (formerly Invitae), Labcorp
Classification: Uncertain significance. Last evaluated: 2022-11-23. Review status: criteria provided, single submitter. Criteria: Invitae Variant Classification Sherloc (09022015). Collection method: clinical testing. Allele origin: germline.
Comment: In summary, the available evidence is currently insufficient to determine the role of this variant in disease. Therefore, it has been classified as a Variant of Uncertain Significance. Algorithms developed to predict the effect of missense changes on protein structure and function (SIFT, PolyPhen-2, Align-GVGD) all suggest that this variant is likely to be tolerated. This variant has not been reported in the literature in individuals affected with ZNF513-related conditions. This variant is not present in population databases (gnomAD no frequency). This sequence change replaces valine, which is neutral and non-polar, with leucine, which is neutral and non-polar, at codon 261 of the ZNF513 protein (p.Val261Leu).

NM_144631.6(ZNF513):c.781G>T (p.Val261Leu)

Gene: ZNF513 (zinc finger protein 513; minus strand). Cytogenetic location: 2p23.3.
Variant type: single nucleotide variant.
Coding change: c.781G>T on transcript NM_144631.6 (MANE Select); coding-DNA position 781, G replaced by T.
Protein change: p.Val261Leu; replaces valine 261 with leucine.
Molecular consequence: missense variant.
Genome position (GRCh38, 1-based): chr2:27,378,485, C>A on the plus strand (G>T on the coding strand, the complement: ZNF513 is on the minus strand). VCF-style: chr2-27378485-C-A. GRCh37 (hg19) VCF-style: chr2-27601352-C-A.
Other names: c.595G>T, p.Val199Leu (NM_001201459.2); short protein forms V261L, V199L.
Identifiers: ClinVar variation 2815585 (VCV002815585.3), dbSNP rs61742428, ClinGen allele CA346217393.